The following is an entry in ClinVar:

ClinVar aggregate classification (germline): Pathogenic (1 of 4 stars; one submission).

Submission:

Ambry Genetics
Classification: Pathogenic. Last evaluated: 2026-06-03. Review status: criteria provided, single submitter. Criteria: Ambry Variant Classification Scheme 2023. Collection method: clinical testing. Allele origin: germline.
Comment: The c.3402dupT pathogenic mutation, located in coding exon 3 of the MLH3 gene, results from a duplication of T at nucleotide position 3402, causing a translational frameshift with a predicted alternate stop codon (p.S1135*). This variant is considered to be rare based on population cohorts in the Genome Aggregation Database (gnomAD). This alteration is expected to result in loss of function by premature protein truncation or nonsense-mediated mRNA decay. As such, this alteration is interpreted as a disease-causing mutation.

NM_001040108.2(MLH3):c.3402dup (p.Ser1135Ter)

Gene: MLH3 (mutL homolog 3; minus strand). Cytogenetic location: 14q24.3.
Variant type: Duplication.
Coding change: c.3402dup on transcript NM_001040108.2 (MANE Select); coding-DNA position 3402, one base duplicated (T; older notation c.3402dupT).
Protein change: p.Ser1135Ter; replaces serine 1135 with a stop codon.
Molecular consequence: nonsense. On other transcripts: frameshift variant (1).
Genome position (GRCh38, 1-based): chr14:75,041,678, A duplicated on the plus strand (T on the coding strand, the reverse complement: MLH3 is on the minus strand). VCF-style (leftmost placement, unchanged base first): chr14-75041677-T-TA. GRCh37 (hg19) VCF-style: chr14-75508380-T-TA.
Other names: c.3402dup, p.Ser1135Ter (NM_014381.3); c.3402dupT (NM_001040108.1); short protein forms S1135*.
Identifiers: ClinVar variation 4860159 (VCV004860159.1).
Genomic context (GRCh38, chr14:75,041,677, plus strand): 5'-CTGGATAACGGGCAAATACTGGATTGTCCCATTCTGAGAACAAAGACTGAAGCGATTCGC[T>TA]ACTAACAGTATCATCCACAGTATCTAGGGCAAAAGGGAACAGGTAAAGTTGGCATCCAGA-3'